The following is an entry in ClinVar:

NM_003722.5(TP63):c.362A>G (p.Asp121Gly)

Gene: TP63 (tumor protein p63; plus strand). Cytogenetic location: 3q28.
Variant type: single nucleotide variant.
Coding change: c.362A>G on transcript NM_003722.5 (MANE Select); coding-DNA position 362, A replaced by G.
Protein change: p.Asp121Gly; replaces aspartic acid 121 with glycine.
Molecular consequence: missense variant. On other transcripts: intron variant (2).
Genome position (GRCh38, 1-based): chr3:189,808,309, A>G. VCF-style: chr3-189808309-A-G. GRCh37 (hg19) VCF-style: chr3-189526098-A-G.
Other names: c.362A>G, p.Asp121Gly (NM_001114979.2, NM_001329144.2, NM_001329148.2 and 1 more transcripts); c.80A>G, p.Asp27Gly (NM_001114980.2, NM_001114981.2, NM_001114982.2 and 2 more transcripts); c.356A>G, p.Asp119Gly (NM_001329964.2); c.42+18467A>G (NM_001329146.2, NM_001329150.2); short protein forms D121G, D27G, D119G.
Identifiers: ClinVar variation 2870268 (VCV002870268.3), dbSNP rs2474353100, ClinGen allele CA355750396.

ClinVar aggregate classification (germline): Uncertain significance. Review status: criteria provided, multiple submitters, no conflicts (2 of 4 stars). 2 submissions from 2 submitters: Uncertain significance (2). Last evaluated 2024-01-29.

Conditions:
TP63-Related Spectrum Disorders.
Ankyloblepharon-ectodermal defects-cleft lip/palate syndrome. Also called: Ankyloblepharon-ectodermal defects, cleft lip/palate; Hay-Wells syndrome of ectodermal dysplasia; AEC SYNDROME; Ankyloblepharon-Ectodermal Defects-Cleft Lip/Palate Syndrome (AEC Syndrome); HAY-WELLS SYNDROME. Identifiers: Orphanet 1071, MedGen C0406709, MONDO:0007124, OMIM 106260.
Rapp-Hodgkin syndrome (RHS). Also called: ECTODERMAL DYSPLASIA, ANHIDROTIC, WITH CLEFT LIP/PALATE; Rapp-Hodgkin ectodermal dysplasia syndrome; Isolated Cleft Lip/Cleft Palate (Orofacial Cleft 8). Identifiers: MedGen C1785148, MONDO:0007508, OMIM 129400.
Limb-mammary syndrome (LMS). Also called: Mammary hypoplasia, ectrodactyly, and other hand/foot anomalies. Identifiers: Orphanet 69085, MedGen C1863753, MONDO:0011334, OMIM 603543.
Orofacial cleft 8. Also called: Cleft lip with or without cleft palate, nonsyndromic, 8. Identifiers: MedGen C1851878, MONDO:0029145, OMIM 618149.
Ectrodactyly, ectodermal dysplasia, and cleft lip-palate syndrome 3. Also called: Ectrodactyly, Ectodermal Dysplasia, Cleft Lip/Palate Syndrome 3 (EEC3); Ectrodactyly, Ectodermal Dysplasia, Clefting Syndrome; EEC SYNDROME 3; Ectrodactyly, Ectodermal Dysplasia, Clefting Syndrome Type 3 (EEC3). Identifiers: Orphanet 1896, MedGen C1858562, MONDO:0011428, OMIM 604292.
Premature ovarian failure 21 (POF21). Identifiers: MedGen C5830399, MONDO:0957216, OMIM 620311.
ADULT syndrome. Also called: ACRO-DERMATO-UNGUAL-LACRIMAL-TOOTH SYNDROME; Acro-dermato-ungual-lacrimal-tooth (adult) syndrome; Acro-Dermo-Ungual-Lacrimal-Tooth Syndrome (ADULT Syndrome). Identifiers: Orphanet 978, MedGen C1863204, MONDO:0007072, OMIM 103285.
Split hand-foot malformation 4. Also called: Split-Hand/Foot Malformation Type 4 (SHFM4); Split-Hand/Foot Malformation Type 4 (SHFM4 syndrome). Identifiers: Orphanet 2440, MedGen C1854442, MONDO:0011535, OMIM 605289.

Submissions (2):

Fulgent Genetics
Classification: Uncertain significance for ADULT syndrome; Ankyloblepharon-ectodermal defects-cleft lip/palate syndrome; Rapp-Hodgkin syndrome; Limb-mammary syndrome; Ectrodactyly, ectodermal dysplasia, and cleft lip-palate syndrome 3; Split hand-foot malformation 4; Orofacial cleft 8; Premature ovarian failure 21. Last evaluated: 2024-01-29. Review status: criteria provided, single submitter. Criteria: ACMG Guidelines, 2015. Collection method: clinical testing. Allele origin: germline.

Labcorp Genetics (formerly Invitae), Labcorp
Classification: Uncertain significance. Last evaluated: 2023-02-22. Review status: criteria provided, single submitter. Criteria: Invitae Variant Classification Sherloc (09022015). Collection method: clinical testing. Allele origin: germline.
Comment: In summary, the available evidence is currently insufficient to determine the role of this variant in disease. Therefore, it has been classified as a Variant of Uncertain Significance. This sequence change replaces aspartic acid, which is acidic and polar, with glycine, which is neutral and non-polar, at codon 121 of the TP63 protein (p.Asp121Gly). This variant is not present in population databases (gnomAD no frequency). This variant has not been reported in the literature in individuals affected with TP63-related conditions. Advanced modeling of protein sequence and biophysical properties (such as structural, functional, and spatial information, amino acid conservation, physicochemical variation, residue mobility, and thermodynamic stability) has been performed at Invitae for this missense variant, however the output from this modeling did not meet the statistical confidence thresholds required to predict the impact of this variant on TP63 protein function.